The following is an entry in ClinVar:

ClinVar aggregate classification (germline): Uncertain significance (1 of 4 stars; one submission).

Conditions:
Long chain 3-hydroxyacyl-CoA dehydrogenase deficiency. Also called: LCHAD Deficiency; Deficiency of long-chain 3-hydroxyacyl-coenzyme A dehydrogenase. Identifiers: Orphanet 5, MedGen C3711645, MONDO:0012173, OMIM 609016.

Submission:

3billion
Classification: Uncertain significance for Long chain 3-hydroxyacyl-CoA dehydrogenase deficiency. Last evaluated: 2024-11-11. Review status: criteria provided, single submitter. Criteria: ACMG Guidelines, 2015. Collection method: clinical testing. Allele origin: germline. Affected: yes.
Comment: The variant is not observed in the gnomAD v4.1.0 dataset. Predicted Consequence/Location: Missense variant. The majority of the known disease-causing variants of this gene are variants expected to result in premature termination of the protein. In silico tool predictions suggest damaging effect of the variant on gene or gene product [REVEL: 0.91 (>=0.6, sensitivity 0.68 and specificity 0.92); 3Cnet: 0.63 (>=0.6, sensitivity 0.72 and precision 0.9)]. Different missense changes at the same codon have been reported as of uncertain significance (ClinVar ID: VCV000429528). Therefore, this variant is classified as VUS according to the recommendation of ACMG/AMP guideline.

NM_000182.5(HADHA):c.1636T>A (p.Tyr546Asn)

Genes: GAREM2 (GRB2 associated regulator of MAPK1 subtype 2; plus strand), HADHA (hydroxyacyl-CoA dehydrogenase trifunctional multienzyme complex subunit alpha; minus strand). Cytogenetic location: 2p23.3.
Variant type: single nucleotide variant.
Coding change: c.1636T>A on transcript NM_000182.5 (MANE Select); coding-DNA position 1636, T replaced by A.
Protein change: p.Tyr546Asn; replaces tyrosine 546 with asparagine.
Molecular consequence: missense variant.
Genome position (GRCh38, 1-based): chr2:26,194,623, A>T on the plus strand (T>A on the coding strand, the complement: HADHA is on the minus strand). VCF-style: chr2-26194623-A-T. GRCh37 (hg19) VCF-style: chr2-26417492-A-T.
Other names: short protein forms Y546N.
Identifiers: ClinVar variation 4293840 (VCV004293840.1).